The following is an entry in ClinVar:

ClinVar aggregate classification (germline): Likely pathogenic. Review status: criteria provided, single submitter (1 of 4 stars). 2 submissions from 2 submitters: Likely pathogenic (1). 1 of the submissions does not count toward it. Last evaluated 2021-02-01.

Conditions:
Mucopolysaccharidosis, MPS-IV-A (MPS4A). Also called: Mucopolysaccharidosis type IV A; Mucopolysaccharidosis Type IVA; Morquio syndrome A, mild; MORQUIO SYNDROME A; MPS IVA; mucopolysaccharidosis type 4A. Identifiers: Orphanet 309297, Orphanet 582, MedGen C0086651, MONDO:0009659, OMIM 253000.

Submissions (2):

Laboratory of Diagnosis and Therapy of Lysosomal Disorders, University of Padova
Classification: Likely pathogenic for Mucopolysaccharidosis, MPS-IV-A. Last evaluated: 2021-02-01. Review status: criteria provided, single submitter. Criteria: ACMG Guidelines, 2015. Collection method: curation. Allele origin: germline. Affected: yes.
Comment: Frameshift variant (PVS1_strong); absent from gnomAD v2.1.1 (PM2_moderate)

OMIM
Classification: Pathogenic for MUCOPOLYSACCHARIDOSIS, TYPE IVA. Last evaluated: 1992-09-01. Review status: no assertion criteria provided. Collection method: literature only. Allele origin: germline. Not counted in ClinVar's aggregate classification.

Literature cited by the submitters: PubMed 1522213 (cited by Laboratory of Diagnosis and Therapy of Lysosomal Disorders, University of Padova and OMIM); PubMed 7795586 (cited by Laboratory of Diagnosis and Therapy of Lysosomal Disorders, University of Padova); PubMed 34387910 (cited by Laboratory of Diagnosis and Therapy of Lysosomal Disorders, University of Padova); Tomatsu, S., Fukuda, S., Masue, M., Sukegawa, K., Masuno, M., Orii, T. Mucopolysaccharidosis type IVA: characterization and chromosomal localization of N-acetylgalactosamine-6-sulfate sulfatase gene and genetic heterogeneity. (Abstract) Am. J. Hum. Genet. 51 (suppl.): A178, 1992. (cited by OMIM).

NM_000512.5(GALNS):c.1290_1291del (p.His430fs)

Gene: GALNS (galactosamine (N-acetyl)-6-sulfatase; minus strand). Cytogenetic location: 16q24.3.
Variant type: Microsatellite.
Coding change: c.1290_1291del on transcript NM_000512.5 (MANE Select); coding-DNA positions 1290 to 1291, 2 bases deleted (CA; older notation c.1290_1291delCA).
Protein change: p.His430fs; shifts the reading frame from histidine 430.
Molecular consequence: frameshift variant.
Genome position (GRCh38, 1-based): chr16:88,822,662-88,822,663, TG deleted on the plus strand (CA on the coding strand, the reverse complement: GALNS is on the minus strand); deleting any 2 consecutive bases within chr16:88,822,662-88,822,665 gives the same sequence; the c. name uses the placement nearest the transcript's 3' end. VCF-style (leftmost placement, unchanged base first): chr16-88822661-TTG-T. GRCh37 (hg19) VCF-style: chr16-88889069-TTG-T.
Other names: c.735_736del, p.His245fs (NM_001323543.2); c.1308_1309del, p.His436fs (NM_001323544.2); short protein forms H245fs, H430fs, H436fs.
Identifiers: ClinVar variation 1048501 (VCV001048501.4), dbSNP rs2142992359, ClinGen allele CA916079764.
Genomic context (GRCh38, chr16:88,822,661, plus strand): 5'-CTCTCCCCTGGGTCCCGTCCCAGGTGGAAGATCAGGGGCAGCTTCGTGTGGTCTTCCAGA[TTG>T]TGAGTTGTGACCCCTGAAACGTTCTGCCCAGGGCAGAAATCAATGCCCTGCAATGAGAAG-3'